The following is an entry in ClinVar:

ClinVar aggregate classification (germline): Uncertain significance (1 of 4 stars; one submission).

Conditions:
Kleefstra syndrome 1 (KLEFS1). Identifiers: Orphanet 261494, MedGen C0795833, MONDO:0027407, OMIM 610253.

Submission:

Labcorp Genetics (formerly Invitae), Labcorp
Classification: Uncertain significance for Kleefstra syndrome 1. Last evaluated: 2024-03-29. Review status: criteria provided, single submitter. Criteria: Invitae Variant Classification Sherloc (09022015). Collection method: clinical testing. Allele origin: germline.
Comment: This sequence change replaces serine, which is neutral and polar, with arginine, which is basic and polar, at codon 1004 of the EHMT1 protein (p.Ser1004Arg). This variant is not present in population databases (gnomAD no frequency). This variant has not been reported in the literature in individuals affected with EHMT1-related conditions. Advanced modeling of protein sequence and biophysical properties (such as structural, functional, and spatial information, amino acid conservation, physicochemical variation, residue mobility, and thermodynamic stability) performed at Invitae indicates that this missense variant is not expected to disrupt EHMT1 protein function with a negative predictive value of 80%. In summary, the available evidence is currently insufficient to determine the role of this variant in disease. Therefore, it has been classified as a Variant of Uncertain Significance.

NM_024757.5(EHMT1):c.3012C>G (p.Ser1004Arg)

Gene: EHMT1 (euchromatic histone lysine methyltransferase 1; plus strand). Cytogenetic location: 9q34.3.
Variant type: single nucleotide variant.
Coding change: c.3012C>G on transcript NM_024757.5 (MANE Select); coding-DNA position 3012, C replaced by G.
Protein change: p.Ser1004Arg; replaces serine 1004 with arginine.
Molecular consequence: missense variant.
Genome position (GRCh38, 1-based): chr9:137,813,150, C>G. VCF-style: chr9-137813150-C-G. GRCh37 (hg19) VCF-style: chr9-140707602-C-G.
Other names: c.2991C>G, p.Ser997Arg (NM_001354263.2); short protein forms S997R, S1004R.
Identifiers: ClinVar variation 3688541 (VCV003688541.2).